The following is an entry in ClinVar:

NM_145068.4(TRPV3):c.2006T>C (p.Leu669Pro)

Gene: TRPV3 (transient receptor potential cation channel subfamily V member 3; minus strand). Cytogenetic location: 17p13.2.
Variant type: single nucleotide variant.
Coding change: c.2006T>C on transcript NM_145068.4 (MANE Select); coding-DNA position 2006, T replaced by C.
Protein change: p.Leu669Pro; replaces leucine 669 with proline.
Molecular consequence: missense variant.
Genome position (GRCh38, 1-based): chr17:3,518,655, A>G on the plus strand (T>C on the coding strand, the complement: TRPV3 is on the minus strand). VCF-style: chr17-3518655-A-G. GRCh37 (hg19) VCF-style: chr17-3421949-A-G.
Other names: c.2006T>C, p.Leu669Pro (NM_001258205.2); short protein forms L669P.
Identifiers: ClinVar variation 1899503 (VCV001899503.6), dbSNP rs139946922, ClinGen allele CA8289251.

ClinVar aggregate classification (germline): Uncertain significance. Review status: criteria provided, multiple submitters, no conflicts (2 of 4 stars). 2 submissions from 2 submitters: Uncertain significance (2). Last evaluated 2025-07-07.

Allele frequency attached by ClinVar (database versions not stated): ExAC 0.00002; gnomAD 0.00002; gnomAD exomes 0.00002; TOPMed 0.00002; ESP Exome Variant Server 0.00008.
gnomAD v4.1: 32 of 1,600,490 alleles (0.002%); highest among the groups gnomAD compares: Non-Finnish European, 0.0025%; no homozygotes.

Submissions (2):

Labcorp Genetics (formerly Invitae), Labcorp
Classification: Uncertain significance. Last evaluated: 2025-07-07. Review status: criteria provided, single submitter. Criteria: Invitae Variant Classification Sherloc (09022015). Collection method: clinical testing. Allele origin: germline.
Comment: This sequence change replaces leucine, which is neutral and non-polar, with proline, which is neutral and non-polar, at codon 669 of the TRPV3 protein (p.Leu669Pro). This variant is present in population databases (rs139946922, gnomAD 0.004%). This variant has not been reported in the literature in individuals affected with TRPV3-related conditions. ClinVar contains an entry for this variant (Variation ID: 1899503). Invitae Evidence Modeling of protein sequence and biophysical properties (such as structural, functional, and spatial information, amino acid conservation, physicochemical variation, residue mobility, and thermodynamic stability) indicates that this missense variant is expected to disrupt TRPV3 protein function with a positive predictive value of 95%. In summary, the available evidence is currently insufficient to determine the role of this variant in disease. Therefore, it has been classified as a Variant of Uncertain Significance.

Laboratory of Genetics, Children's Clinical University Hospital Latvia
Classification: Uncertain significance. Last evaluated: 2025-02-16. Review status: criteria provided, single submitter. Criteria: ACMG Guidelines, 2015. Collection method: clinical testing. Allele origin: germline. Affected: yes.